The following is an entry in ClinVar:

ClinVar aggregate classification (germline): Uncertain significance. Review status: criteria provided, multiple submitters, no conflicts (2 of 4 stars). 3 submissions from 3 submitters: Uncertain significance (2). 1 of the submissions does not count toward it. Last evaluated 2024-10-21.

Conditions:
Inborn genetic diseases. Identifiers: MedGen C0950123, MeSH D030342.
ADGRV1-related disorder. Also called: ADGRV1-related condition; ADGRV1-related disorders.

Allele frequency attached by ClinVar (database versions not stated): TOPMed below 0.00001.

Submissions (3):

Ambry Genetics
Classification: Uncertain significance for Inborn genetic diseases. Last evaluated: 2024-10-21. Review status: criteria provided, single submitter. Criteria: Ambry Variant Classification Scheme 2023. Collection method: clinical testing. Allele origin: germline.

ARUP Laboratories, Molecular Genetics and Genomics, ARUP Laboratories
Classification: Uncertain significance. Last evaluated: 2018-09-14. Review status: criteria provided, single submitter. Criteria: ARUP Molecular Germline Variant Investigation Process. Collection method: clinical testing. Allele origin: germline.
Comment: The ADGRV1 c.1364T>G; p.Val455Gly variant, to our knowledge, is not reported in the medical literature or gene specific databases. This variant is also absent from general population databases (1000 Genomes Project, Exome Variant Server, and Genome Aggregation Database), indicating it is not a common polymorphism. The valine at codon 455 is moderately conserved, and computational analyses (SIFT: damaging, PolyPhen-2: benign) predict conflicting effects of this variant on protein structure/function. Due to limited information, the clinical significance of the p.Val455Gly variant is uncertain at this time.

PreventionGenetics, part of Exact Sciences
Classification: Uncertain significance for ADGRV1-related condition. Last evaluated: 2024-06-26. Review status: no assertion criteria provided. Collection method: clinical testing. Allele origin: germline. Not counted in ClinVar's aggregate classification.
Comment: The ADGRV1 c.1364T>G variant is predicted to result in the amino acid substitution p.Val455Gly. To our knowledge, this variant has not been reported in the literature or in a large population database, indicating this variant is rare. At this time, the clinical significance of this variant is uncertain due to the absence of conclusive functional and genetic evidence.

NM_032119.4(ADGRV1):c.1364T>G (p.Val455Gly)

Gene: ADGRV1 (adhesion G protein-coupled receptor V1; plus strand). Cytogenetic location: 5q14.3.
Variant type: single nucleotide variant.
Coding change: c.1364T>G on transcript NM_032119.4 (MANE Select); coding-DNA position 1364, T replaced by G.
Protein change: p.Val455Gly; replaces valine 455 with glycine.
Molecular consequence: missense variant. On other transcripts: non-coding transcript variant (1).
Genome position (GRCh38, 1-based): chr5:90,628,687, T>G. VCF-style: chr5-90628687-T-G. GRCh37 (hg19) VCF-style: chr5-89924504-T-G.
Other names: c.1364T>G (NM_032119.3); short protein forms V455G.
Identifiers: ClinVar variation 811745 (VCV000811745.10), dbSNP rs1580510493, ClinGen allele CA360372239.